The following is an entry in ClinVar:

ClinVar aggregate classification (germline): Likely pathogenic (0 of 4 stars; one submission).

Submission:

Diagnostics Centre, Carl Von Ossietzky University Oldenburg
Classification: Likely pathogenic. Last evaluated: 2025-06-25. Review status: no assertion criteria provided. Collection method: clinical testing. Allele origin: germline. Affected: yes. Observed: 1 variant allele.
Comment: The variant DNA2:c.2305C>T p.(Gln769Ter) located in the exon 15 of the DNA2 results from a cytosine-to-thymine substitution at nucleotide position c.2305. This change results in the formation of a premature stop codon at protein position 769. The variant affects an exon [15/21] present in a biologically relevant transcript and is predicted to cause protein truncation/absent due to nonsense mediated decay, in a gene where loss-of-function is a known mechanism of disease. The variant has not yet been described in Clinvar or in any publications known to us. The variant is classified as very rare since it is absent in gnomAD v4.1.0. In summary, the variant is classified as Likely pathogenic.

NM_001080449.3(DNA2):c.2305C>T (p.Gln769Ter)

Gene: DNA2 (DNA replication helicase/nuclease 2; minus strand). Cytogenetic location: 10q21.3.
Variant type: single nucleotide variant.
Coding change: c.2305C>T on transcript NM_001080449.3 (MANE Select); coding-DNA position 2305, C replaced by T.
Protein change: p.Gln769Ter; replaces glutamine 769 with a stop codon.
Molecular consequence: nonsense. On other transcripts: non-coding transcript variant (1).
Genome position (GRCh38, 1-based): chr10:68,422,794, G>A on the plus strand (C>T on the coding strand, the complement: DNA2 is on the minus strand). VCF-style: chr10-68422794-G-A. GRCh37 (hg19) VCF-style: chr10-70182551-G-A.
Other names: short protein forms Q769*.
Identifiers: ClinVar variation 4845251 (VCV004845251.1).
Genomic context (GRCh38, chr10:68,422,794, plus strand): 5'-GATGGTCCCCCACTAACACAAATCTCCGTGAAAAAAAAAGGGGGCCCAGACAAATTGGTT[G>A]GCTAATTTGAGAGGCTTCATCCACAATACAAAAATCAAAAATTTTACGGGAAAATATTGG-3'